The following is an entry in ClinVar:

ClinVar aggregate classification (germline): Uncertain significance (1 of 4 stars; one submission).

Conditions:
Muscular dystrophy-dystroglycanopathy (congenital with impaired intellectual development), type B, 1. Also called: Muscular dystrophy-dystroglycanopathy (congenital with intellectual disability), type B1; MUSCULAR DYSTROPHY, CONGENITAL, POMT1-RELATED. Identifiers: MedGen C5436962, MONDO:0013159, OMIM 613155.
Walker-Warburg congenital muscular dystrophy. Also called: Muscular dystrophy-dystroglycanopathy, type A; Walker-Warburg syndrome. Identifiers: Orphanet 899, MedGen C0265221, MONDO:0000171.
Autosomal recessive limb-girdle muscular dystrophy type 2K. Also called: MUSCULAR DYSTROPHY-DYSTROGLYCANOPATHY (LIMB-GIRDLE), TYPE C, 1; MUSCULAR DYSTROPHY, LIMB-GIRDLE, TYPE 2K. Identifiers: Orphanet 86812, MedGen C1836373, MONDO:0012248, OMIM 609308.

Allele frequency attached by ClinVar (database versions not stated): gnomAD exomes below 0.00001.
gnomAD v4.1: 7 of 1,614,152 alleles (0.00043%); highest among the groups gnomAD compares: Non-Finnish European, 0.00059%; no homozygotes.

Submission:

Labcorp Genetics (formerly Invitae), Labcorp
Classification: Uncertain significance for Muscular dystrophy-dystroglycanopathy (congenital with impaired intellectual development), type B, 1; Walker-Warburg congenital muscular dystrophy; Autosomal recessive limb-girdle muscular dystrophy type 2K. Last evaluated: 2022-08-16. Review status: criteria provided, single submitter. Criteria: Invitae Variant Classification Sherloc (09022015). Collection method: clinical testing. Allele origin: germline.
Comment: In summary, the available evidence is currently insufficient to determine the role of this variant in disease. Therefore, it has been classified as a Variant of Uncertain Significance. Algorithms developed to predict the effect of missense changes on protein structure and function (SIFT, PolyPhen-2, Align-GVGD) all suggest that this variant is likely to be tolerated. This variant has not been reported in the literature in individuals affected with POMT1-related conditions. This variant is present in population databases (no rsID available, gnomAD 0.0009%). This sequence change replaces serine, which is neutral and polar, with threonine, which is neutral and polar, at codon 604 of the POMT1 protein (p.Ser604Thr).

NM_001077365.2(POMT1):c.1745G>C (p.Ser582Thr)

Gene: POMT1 (protein O-mannosyltransferase 1; plus strand). Cytogenetic location: 9q34.13.
Variant type: single nucleotide variant.
Coding change: c.1745G>C on transcript NM_001077365.2 (MANE Select); coding-DNA position 1745, G replaced by C.
Protein change: p.Ser582Thr; replaces serine 582 with threonine.
Molecular consequence: missense variant. On other transcripts: non-coding transcript variant (10).
Genome position (GRCh38, 1-based): chr9:131,521,392, G>C. VCF-style: chr9-131521392-G-C. GRCh37 (hg19) VCF-style: chr9-134396779-G-C.
Other names: c.1583G>C, p.Ser528Thr (NM_001077366.2, NM_001353194.2); c.1745G>C, p.Ser582Thr (NM_001136113.2); c.1394G>C, p.Ser465Thr (NM_001136114.2, NM_001353195.2, NM_001374691.1 and 2 more transcripts); c.1811G>C, p.Ser604Thr (NM_001353193.2, NM_007171.4); c.1655G>C, p.Ser552Thr (NM_001353196.2); c.1649G>C, p.Ser550Thr (NM_001353197.2, NM_001353198.2); c.1460G>C, p.Ser487Thr (NM_001353199.2); c.1289G>C, p.Ser430Thr (NM_001353200.2); and 4 more; short protein forms S205T, S550T, S578T, S604T, S509T, S465T, S487T, S582T.
Identifiers: ClinVar variation 2083423 (VCV002083423.4), dbSNP rs1196223735, ClinGen allele CA375313742.